The following is an entry in ClinVar:

ClinVar aggregate classification (germline): Uncertain significance (1 of 4 stars; one submission).

Submission:

ISCA site 4
Classification: Uncertain significance. Last evaluated: 2011-08-12. Review status: criteria provided, single submitter. Criteria: Kaminsky et al. (Genet Med. 2011). Collection method: clinical testing. Allele origin: maternal. Affected: yes. Observed: 1 variant allele.
Comment: Copy number variation identified through the course of routine clinical cytogenomic testing in postnatal populations. Clinical assertions have been curated as described in Kaminsky et al. 2011.

GRCh38/hg38 21q22.3(chr21:46214279-46670405)x1

Genes: C21orf58 (chromosome 21 open reading frame 58; minus strand), DIP2A (disco interacting protein 2 homolog A; plus strand), DIP2A-IT1 (DIP2A intronic transcript 1; plus strand), LSS (lanosterol synthase; minus strand), MCM3AP (minichromosome maintenance complex component 3 associated protein; minus strand) and 31 more. Cytogenetic location: 21q22.3.
Variant type: copy number loss.
Change: copy number 1 (one copy instead of two) of chr21:46,214,279-46,670,405 (456.1 kb, GRCh38 coordinates, 1-based), cytogenetic band 21q22.3.
Identifiers: ClinVar variation 57251 (VCV000057251.1).